The following is an entry in ClinVar:

ClinVar aggregate classification (germline): Likely benign. Review status: criteria provided, multiple submitters, no conflicts (2 of 4 stars). 2 submissions from 2 submitters: Likely benign (2). Last evaluated 2025-11-11.

Conditions:
Intellectual developmental disorder, X-linked, syndromic, Hedera type. Also called: Syndromic X-linked intellectual disability Hedera type. Identifiers: Orphanet 93952, MedGen C1845543, MONDO:0010319, OMIM 300423.

Allele frequency attached by ClinVar (database versions not stated): TOPMed 0.00001; ExAC 0.00013; 1000 Genomes Project 0.00026; 1000 Genomes Project 30x 0.00021; gnomAD exomes 0.00004 and 0.00009; gnomAD 0.00004.
gnomAD v4.1: 57 of 1,208,677 alleles (0.0047%); highest among the groups gnomAD compares: South Asian, 0.086%; 1 homozygote.

Submissions (2):

Women's Health and Genetics/Laboratory Corporation of America, LabCorp
Classification: Likely benign. Last evaluated: 2025-11-11. Review status: criteria provided, single submitter. Criteria: LabCorp Variant Classification Summary - May 2015. Collection method: clinical testing. Allele origin: germline.
Comment: Variant summary: ATP6AP2 c.398G>A (p.Arg133Lys) results in a conservative amino acid change in the encoded protein sequence. Algorithms developed to predict the effect of missense changes on protein structure and function are either unavailable or do not agree on the potential impact of this missense change. Consensus agreement among computation tools predict no significant impact on normal splicing. However, these predictions have yet to be confirmed by functional studies. The variant allele was found at a frequency of 9.3e-05 in 183435 control chromosomes. This frequency is not significantly higher than estimated for disease-causing variants in ATP6AP2, allowing no conclusion about variant significance. However, at least 7 hemizygous controls have been reported in gnomAD, which is not consistent with the early onset/severe presentation of ATP6AP2-related conditions. To our knowledge, no occurrence of c.398G>A in individuals affected with ATP6AP2-related conditions and no experimental evidence demonstrating its impact on protein function have been reported. ClinVar contains an entry for this variant (Variation ID: 1131079). Based on the evidence outlined above, the variant was classified as likely benign.

Labcorp Genetics (formerly Invitae), Labcorp
Classification: Likely benign for Intellectual developmental disorder, X-linked, syndromic, Hedera type. Last evaluated: 2025-09-09. Review status: criteria provided, single submitter. Criteria: Invitae Variant Classification Sherloc (09022015). Collection method: clinical testing. Allele origin: germline.

NM_005765.3(ATP6AP2):c.398G>A (p.Arg133Lys)

Gene: ATP6AP2 (ATPase H+ transporting accessory protein 2; plus strand). Cytogenetic location: Xp11.4.
Variant type: single nucleotide variant.
Coding change: c.398G>A on transcript NM_005765.3 (MANE Select); coding-DNA position 398, G replaced by A.
Protein change: p.Arg133Lys; replaces arginine 133 with lysine.
Molecular consequence: missense variant.
Genome position (GRCh38, 1-based): chrX:40,597,528, G>A. VCF-style: chrX-40597528-G-A. GRCh37 (hg19) VCF-style: chrX-40456780-G-A.
Other names: short protein forms R133K.
Identifiers: ClinVar variation 1131079 (VCV001131079.10), dbSNP rs560852897, ClinGen allele CA10387210.
Genomic context (GRCh38, chrX:40,597,528, plus strand): 5'-GGGTATTGGAACTAATCTGTAGAATTTGAGCAACTTAAAATTTTCTATTCTTCTTACAGA[G>A]AGTGTATATGGTAGGGAAGGCAAACTCAGTGTTTGAAGACCTTTCAGTCACCTTGCGCCA-3'
Protein context (NP_005756.2, residues 123-143): VVLQLAPSEE[Arg133Lys]VYMVGKANSV